The following is an entry in ClinVar:

ClinVar aggregate classification (germline): Uncertain significance (1 of 4 stars; one submission).

Allele frequency attached by ClinVar (database versions not stated): gnomAD exomes below 0.00001.
gnomAD v4.1: 3 of 1,613,738 alleles (0.00019%); highest among the groups gnomAD compares: Non-Finnish European, 0.00025%; no homozygotes.

Submission:

Labcorp Genetics (formerly Invitae), Labcorp
Classification: Uncertain significance. Last evaluated: 2022-04-03. Review status: criteria provided, single submitter. Criteria: Invitae Variant Classification Sherloc (09022015). Collection method: clinical testing. Allele origin: germline.
Comment: In summary, the available evidence is currently insufficient to determine the role of this variant in disease. Therefore, it has been classified as a Variant of Uncertain Significance. Algorithms developed to predict the effect of missense changes on protein structure and function (SIFT, PolyPhen-2, Align-GVGD) all suggest that this variant is likely to be tolerated. This variant has not been reported in the literature in individuals affected with MAPKBP1-related conditions. This variant is present in population databases (no rsID available, gnomAD 0.0009%). This sequence change replaces threonine, which is neutral and polar, with alanine, which is neutral and non-polar, at codon 281 of the MAPKBP1 protein (p.Thr281Ala).

NM_014994.3(MAPKBP1):c.823A>G (p.Thr275Ala)

Gene: MAPKBP1 (mitogen-activated protein kinase binding protein 1; plus strand). Cytogenetic location: 15q15.1.
Variant type: single nucleotide variant.
Coding change: c.823A>G on transcript NM_014994.3 (MANE Select); coding-DNA position 823, A replaced by G.
Protein change: p.Thr275Ala; replaces threonine 275 with alanine.
Molecular consequence: missense variant. On other transcripts: non-coding transcript variant (2).
Genome position (GRCh38, 1-based): chr15:41,813,624, A>G. VCF-style: chr15-41813624-A-G. GRCh37 (hg19) VCF-style: chr15-42105822-A-G.
Other names: c.841A>G, p.Thr281Ala (NM_001128608.2); c.823A>G, p.Thr275Ala (NM_001265611.2); short protein forms T275A, T281A.
Identifiers: ClinVar variation 2120954 (VCV002120954.4), dbSNP rs1267972548, ClinGen allele CA391854370.